The following is an entry in ClinVar:

ClinVar aggregate classification (germline): Uncertain significance (1 of 4 stars; one submission).

Conditions:
Cystic fibrosis (CF). Also called: MUCOVISCIDOSIS. Identifiers: Orphanet 586, MedGen C0010674, MONDO:0009061, OMIM 219700. Disease mechanism: loss of function.

Submission:

Ambry Genetics
Classification: Uncertain significance for Cystic fibrosis. Last evaluated: 2023-03-26. Review status: criteria provided, single submitter. Criteria: Ambry Variant Classification Scheme 2023. Collection method: clinical testing. Allele origin: germline.
Comment: The p.F236Y variant (also known as c.707T>A), located in coding exon 6 of the CFTR gene, results from a T to A substitution at nucleotide position 707. The phenylalanine at codon 236 is replaced by tyrosine, an amino acid with highly similar properties. This amino acid position is conserved. In addition, the in silico prediction for this alteration is inconclusive. Since supporting evidence is limited at this time, the clinical significance of this alteration remains unclear.

NM_000492.4(CFTR):c.707T>A (p.Phe236Tyr)

Gene: CFTR (CF transmembrane conductance regulator; plus strand). Cytogenetic location: 7q31.2.
Variant type: single nucleotide variant.
Coding change: c.707T>A on transcript NM_000492.4 (MANE Select); coding-DNA position 707, T replaced by A.
Protein change: p.Phe236Tyr; replaces phenylalanine 236 with tyrosine.
Molecular consequence: missense variant.
Genome position (GRCh38, 1-based): chr7:117,535,375, T>A. VCF-style: chr7-117535375-T-A. GRCh37 (hg19) VCF-style: chr7-117175429-T-A.
Other names: short protein forms F236Y.
Identifiers: ClinVar variation 2567865 (VCV002567865.2), dbSNP rs550709226, ClinGen allele CA368977110.
Genomic context (GRCh38, chr7:117,535,375, plus strand): 5'-GGGAGTTGTTACAGGCGTCTGCCTTCTGTGGACTTGGTTTCCTGATAGTCCTTGCCCTTT[T>A]TCAGGCTGGGCTAGGGAGAATGATGATGAAGTACAGGTAGCAACCTATTTTCATAACTTG-3'
Protein context (NP_000483.3, residues 226-246): GLGFLIVLAL[Phe236Tyr]QAGLGRMMMK